The following is an entry in ClinVar:

ClinVar aggregate classification (germline): Uncertain significance. Review status: criteria provided, multiple submitters, no conflicts (2 of 4 stars). 2 submissions from 2 submitters: Uncertain significance (2). Last evaluated 2025-03-13.

Conditions:
TFAP2A-related disorder. Also called: TFAP2A-related condition.

gnomAD v4.1: 10 of 1,614,082 alleles (0.00062%); highest among the groups gnomAD compares: Non-Finnish European, 0.00076%; no homozygotes.

Submissions (2):

GeneDx
Classification: Uncertain significance. Last evaluated: 2025-03-13. Review status: criteria provided, single submitter. Criteria: GeneDx Variant Classification Process June 2021. Collection method: clinical testing. Allele origin: germline. Affected: yes.
Comment: Not observed at significant frequency in large population cohorts (gnomAD); In silico analysis supports that this missense variant has a deleterious effect on protein structure/function; Has not been previously published as pathogenic or benign to our knowledge

PreventionGenetics, part of Exact Sciences
Classification: Uncertain significance for TFAP2A-related condition. Last evaluated: 2025-02-07. Review status: criteria provided, single submitter. Criteria: ACMG Guidelines, 2015. Collection method: clinical testing. Allele origin: germline.
Comment: The TFAP2A c.628G>C variant is predicted to result in the amino acid substitution p.Val210Leu. To our knowledge, this variant has not been reported in the literature. This variant is reported in 0.0026% of alleles in individuals of European (Non-Finnish) descent in gnomAD. At this time, the clinical significance of this variant is uncertain due to the absence of conclusive functional and genetic evidence.

NM_001372066.1(TFAP2A):c.634G>C (p.Val212Leu)

Genes: TFAP2A (transcription factor AP-2 alpha; minus strand), TFAP2A-AS2 (TFAP2A antisense RNA 2; plus strand), LOC121740638 (BRD4-independent group 4 enhancer GRCh37_chr6:10403277-10404476; plus strand). Cytogenetic location: 6p24.3.
Variant type: single nucleotide variant.
Coding change: c.634G>C on transcript NM_001372066.1 (MANE Select); coding-DNA position 634, G replaced by C.
Protein change: p.Val212Leu; replaces valine 212 with leucine.
Molecular consequence: missense variant. On other transcripts: non-coding transcript variant (1).
Genome position (GRCh38, 1-based): chr6:10,404,644, C>G on the plus strand (G>C on the coding strand, the complement: TFAP2A is on the minus strand). VCF-style: chr6-10404644-C-G. GRCh37 (hg19) VCF-style: chr6-10404877-C-G.
Other names: NM_003220.2:c.628G>C; c.610G>C, p.Val204Leu (NM_001032280.3); c.616G>C, p.Val206Leu (NM_001042425.3); short protein forms V204L, V206L, V212L.
Identifiers: ClinVar variation 4086523 (VCV004086523.2).
Genomic context (GRCh38, chr6:10,404,644, plus strand): 5'-TGACCTTGTACTTCGAGGTGGAGCTGAGGAGCGAGAGGCGACCCGGAACTGAACAGAAGA[C>G]TTCGTTGGGGTTCACCACGCCGCCGAAGAGGTTGTCCTTGTTAATAGGGATGGCGGAGAC-3'
Protein context (NP_001358995.1, residues 202-222): LFGGVVNPNE[Val212Leu]FCSVPGRLSL